The following is an entry in ClinVar:

NM_032444.4(SLX4):c.4717G>T (p.Val1573Leu)

Gene: SLX4 (SLX4 structure-specific endonuclease subunit; minus strand). Cytogenetic location: 16p13.3.
Variant type: single nucleotide variant.
Coding change: c.4717G>T on transcript NM_032444.4 (MANE Select); coding-DNA position 4717, G replaced by T.
Protein change: p.Val1573Leu; replaces valine 1573 with leucine.
Molecular consequence: missense variant.
Genome position (GRCh38, 1-based): chr16:3,584,791, C>A on the plus strand (G>T on the coding strand, the complement: SLX4 is on the minus strand). VCF-style: chr16-3584791-C-A. GRCh37 (hg19) VCF-style: chr16-3634792-C-A.
Other names: short protein forms V1573L.
Identifiers: ClinVar variation 2819532 (VCV002819532.3), dbSNP rs1303814144, ClinGen allele CA394516061.
Genomic context (GRCh38, chr16:3,584,791, plus strand): 5'-AAGACCACTGTGGGCAACAAGCTTTGAAGACCGCCAACCTATCCAGTTCCTTCTTCAGCA[C>A]CGGCGTCTCCATAATGGAATACTGTGGCATCGGCGTTATGGGCACTTTGGGGGGCAAGTT-3'
Protein context (NP_115820.2, residues 1563-1583): MPQYSIMETP[Val1573Leu]LKKELDRFGV

ClinVar aggregate classification (germline): Uncertain significance (1 of 4 stars; one submission).

Conditions:
Fanconi anemia (FA). Also called: Fanconi's anemia. Identifiers: Orphanet 84, MedGen C0015625, MeSH D005199, MONDO:0019391.

Submission:

Labcorp Genetics (formerly Invitae), Labcorp
Classification: Uncertain significance for Fanconi anemia. Last evaluated: 2022-12-08. Review status: criteria provided, single submitter. Criteria: Invitae Variant Classification Sherloc (09022015). Collection method: clinical testing. Allele origin: germline.
Comment: In summary, the available evidence is currently insufficient to determine the role of this variant in disease. Therefore, it has been classified as a Variant of Uncertain Significance. Algorithms developed to predict the effect of missense changes on protein structure and function (SIFT, PolyPhen-2, Align-GVGD) all suggest that this variant is likely to be tolerated. This variant has not been reported in the literature in individuals affected with SLX4-related conditions. This variant is not present in population databases (gnomAD no frequency). This sequence change replaces valine, which is neutral and non-polar, with leucine, which is neutral and non-polar, at codon 1573 of the SLX4 protein (p.Val1573Leu).